The following is an entry in ClinVar:

NM_001845.6(COL4A1):c.2023C>T (p.Pro675Ser)

Gene: COL4A1 (collagen type IV alpha 1 chain; minus strand). Cytogenetic location: 13q34.
Variant type: single nucleotide variant.
Coding change: c.2023C>T on transcript NM_001845.6 (MANE Select); coding-DNA position 2023, C replaced by T.
Protein change: p.Pro675Ser; replaces proline 675 with serine.
Molecular consequence: missense variant.
Genome position (GRCh38, 1-based): chr13:110,183,065, G>A on the plus strand (C>T on the coding strand, the complement: COL4A1 is on the minus strand). VCF-style: chr13-110183065-G-A. GRCh37 (hg19) VCF-style: chr13-110835412-G-A.
Other names: short protein forms P675S.
Identifiers: ClinVar variation 3705775 (VCV003705775.2).

ClinVar aggregate classification (germline): Uncertain significance (1 of 4 stars; one submission).

gnomAD v4.1: 10 of 1,613,180 alleles (0.00062%); highest among the groups gnomAD compares: Non-Finnish European, 0.00085%; no homozygotes.

Submission:

Labcorp Genetics (formerly Invitae), Labcorp
Classification: Uncertain significance. Last evaluated: 2024-07-03. Review status: criteria provided, single submitter. Criteria: Invitae Variant Classification Sherloc (09022015). Collection method: clinical testing. Allele origin: germline.
Comment: This sequence change replaces proline, which is neutral and non-polar, with serine, which is neutral and polar, at codon 675 of the COL4A1 protein (p.Pro675Ser). This variant is not present in population databases (gnomAD no frequency). This variant has not been reported in the literature in individuals affected with COL4A1-related conditions. An algorithm developed to predict the effect of missense changes on protein structure and function (PolyPhen-2) suggests that this variant is likely to be disruptive. In summary, the available evidence is currently insufficient to determine the role of this variant in disease. Therefore, it has been classified as a Variant of Uncertain Significance.